The following is an entry in ClinVar:

NM_003482.4(KMT2D):c.12796T>A (p.Phe4266Ile)

Gene: KMT2D (lysine methyltransferase 2D; minus strand). Cytogenetic location: 12q13.12.
Variant type: single nucleotide variant.
Coding change: c.12796T>A on transcript NM_003482.4 (MANE Select); coding-DNA position 12796, T replaced by A.
Protein change: p.Phe4266Ile; replaces phenylalanine 4266 with isoleucine.
Molecular consequence: missense variant.
Genome position (GRCh38, 1-based): chr12:49,031,909, A>T on the plus strand (T>A on the coding strand, the complement: KMT2D is on the minus strand). VCF-style: chr12-49031909-A-T. GRCh37 (hg19) VCF-style: chr12-49425692-A-T.
Other names: short protein forms F4266I.
Identifiers: ClinVar variation 2404312 (VCV002404312.4), dbSNP rs987618664, ClinGen allele CA236639155.

ClinVar aggregate classification (germline): Uncertain significance. Review status: criteria provided, multiple submitters, no conflicts (2 of 4 stars). 3 submissions from 3 submitters: Uncertain significance (3). Last evaluated 2025-06-03.

Conditions:
Choanal atresia-athelia-hypothyroidism-delayed puberty-short stature syndrome (BCAHH). Also called: BRANCHIAL ARCH ABNORMALITIES, CHOANAL ATRESIA, ATHELIA, HEARING LOSS, AND HYPOTHYROIDISM SYNDROME. Identifiers: Orphanet 589856, MedGen C5680310, MONDO:0035651, OMIM 620186.
Kabuki syndrome 1 (KABUK1). Also called: KMT2D-Related Kabuki Syndrome. Identifiers: Orphanet 2322, MedGen CN030661, MONDO:0007843, OMIM 147920.
Inborn genetic diseases. Identifiers: MedGen C0950123, MeSH D030342.

Allele frequency attached by ClinVar (database versions not stated): gnomAD 0.00001; TOPMed 0.00003.
gnomAD v4.1: 2 of 1,535,796 alleles (0.00013%); highest among the groups gnomAD compares: African/African-American, 0.0028%; no homozygotes.

Submissions (3):

GeneDx
Classification: Uncertain significance. Last evaluated: 2025-06-03. Review status: criteria provided, single submitter. Criteria: GeneDx Variant Classification Process June 2021. Collection method: clinical testing. Allele origin: germline. Affected: yes.
Comment: Not observed at significant frequency in large population cohorts (gnomAD); In silico analysis suggests that this missense variant does not alter protein structure/function; Has not been previously published as pathogenic or benign to our knowledge

Fulgent Genetics
Classification: Uncertain significance for Kabuki syndrome 1; Choanal atresia-athelia-hypothyroidism-delayed puberty-short stature syndrome. Last evaluated: 2024-05-27. Review status: criteria provided, single submitter. Criteria: ACMG Guidelines, 2015. Collection method: clinical testing. Allele origin: germline.

Ambry Genetics
Classification: Uncertain significance for Inborn genetic diseases. Last evaluated: 2022-10-03. Review status: criteria provided, single submitter. Criteria: Ambry Variant Classification Scheme 2023. Collection method: clinical testing. Allele origin: germline.